The following is an entry in ClinVar:

ClinVar aggregate classification (germline): Uncertain significance. Review status: criteria provided, multiple submitters, no conflicts (2 of 4 stars). 4 submissions from 4 submitters: Uncertain significance (4). Last evaluated 2025-05-07.

Conditions:
Autosomal recessive polycystic kidney disease (ARPKD). Also called: AR polycystic kidney disease. Identifiers: Orphanet 731, Orphanet 8378, MedGen C0085548, MeSH D017044, MONDO:0009889.
PKHD1-related disorder. Also called: PKHD1-related condition.
Polycystic kidney disease 4 (PKD4). Also called: POLYCYSTIC KIDNEY DISEASE 4 WITH OR WITHOUT POLYCYSTIC LIVER DISEASE; Autosomal Recessive Polycystic Kidney Disease – PKHD1; PKD3; POLYCYSTIC KIDNEY AND HEPATIC DISEASE 1; POLYCYSTIC KIDNEY DISEASE, INFANTILE, TYPE I. Identifiers: MedGen C4540575, MONDO:0033004, OMIM 263200.

Allele frequency attached by ClinVar (database versions not stated): gnomAD 0.00003 and 0.00004; ExAC 0.00004; gnomAD exomes 0.00005; TOPMed 0.00006.
gnomAD v4.1: 64 of 1,613,804 alleles (0.004%); highest among the groups gnomAD compares: East Asian, 0.06%; no homozygotes.

Submissions (4):

PreventionGenetics, part of Exact Sciences
Classification: Uncertain significance for PKHD1-related condition. Last evaluated: 2025-05-07. Review status: criteria provided, single submitter. Criteria: ACMG Guidelines, 2015. Collection method: clinical testing. Allele origin: germline.
Comment: The PKHD1 c.2347C>T variant is predicted to result in the amino acid substitution p.Arg783Trp. To our knowledge, this variant has not been reported in patients with polycystic kidney disease (PKD) in the literature. This variant is reported in 0.030% of alleles in individuals of East Asian descent in gnomAD. At this time, the clinical significance of this variant is uncertain due to the absence of conclusive functional and genetic evidence.

Fulgent Genetics
Classification: Uncertain significance for Polycystic kidney disease 4. Last evaluated: 2021-12-20. Review status: criteria provided, single submitter. Criteria: ACMG Guidelines, 2015. Collection method: clinical testing. Allele origin: unknown.

Eurofins Ntd Llc (ga)
Classification: Uncertain significance. Last evaluated: 2018-01-30. Review status: criteria provided, single submitter. Criteria: EGL Classification Definitions 2015. Collection method: clinical testing. Allele origin: germline. Observed: 2 variant alleles, 2 heterozygotes.

Illumina Laboratory Services, Illumina
Classification: Uncertain significance for Polycystic kidney disease 4. Last evaluated: 2018-01-13. Review status: criteria provided, single submitter. Criteria: ICSL Variant Classification Criteria 13 December 2019. Collection method: clinical testing. Allele origin: germline.

NM_138694.4(PKHD1):c.2347C>T (p.Arg783Trp)

Gene: PKHD1 (PKHD1 ciliary IPT domain containing fibrocystin/polyductin; minus strand). Cytogenetic location: 6p12.2.
Variant type: single nucleotide variant.
Coding change: c.2347C>T on transcript NM_138694.4 (MANE Select); coding-DNA position 2347, C replaced by T.
Protein change: p.Arg783Trp; replaces arginine 783 with tryptophan.
Molecular consequence: missense variant.
Genome position (GRCh38, 1-based): chr6:52,048,552, G>A on the plus strand (C>T on the coding strand, the complement: PKHD1 is on the minus strand). VCF-style: chr6-52048552-G-A. GRCh37 (hg19) VCF-style: chr6-51913350-G-A.
Other names: c.2347C>T, p.Arg783Trp (NM_170724.3); short protein forms R783W.
Identifiers: ClinVar variation 595905 (VCV000595905.12), dbSNP rs749170990, ClinGen allele CA3853246.